The following is an entry in ClinVar:

ClinVar aggregate classification (germline): Uncertain significance (1 of 4 stars; one submission).

Conditions:
Ataxia-telangiectasia syndrome (AT). Also called: Cerebello-oculocutaneous telangiectasia; Immunodeficiency with ataxia telangiectasia; ATAXIA-TELANGIECTASIA, COMPLEMENTATION GROUP A; ATAXIA-TELANGIECTASIA, FRESNO VARIANT; Ataxia-telangiectasia, complementation group E; LOUIS-BAR SYNDROME. Identifiers: Orphanet 100, MedGen C0004135, MONDO:0008840, OMIM 208900.

Submission:

Labcorp Genetics (formerly Invitae), Labcorp
Classification: Uncertain significance for Ataxia-telangiectasia syndrome. Last evaluated: 2020-11-01. Review status: criteria provided, single submitter. Criteria: Invitae Variant Classification Sherloc (09022015). Collection method: clinical testing. Allele origin: germline.
Comment: In summary, the available evidence is currently insufficient to determine the role of this variant in disease. Therefore, it has been classified as a Variant of Uncertain Significance. Advanced modeling of protein sequence and biophysical properties (such as structural, functional, and spatial information, amino acid conservation, physicochemical variation, residue mobility, and thermodynamic stability) performed at Invitae indicates that this missense variant is not expected to disrupt ATM protein function. This variant has not been reported in the literature in individuals with ATM-related conditions. This variant is not present in population databases (ExAC no frequency). This sequence change replaces isoleucine with threonine at codon 550 of the ATM protein (p.Ile550Thr). The isoleucine residue is weakly conserved and there is a moderate physicochemical difference between isoleucine and threonine.

NM_000051.4(ATM):c.1649T>C (p.Ile550Thr)

Gene: ATM (ATM serine/threonine kinase; plus strand). Cytogenetic location: 11q22.3.
Variant type: single nucleotide variant.
Coding change: c.1649T>C on transcript NM_000051.4 (MANE Select); coding-DNA position 1649, T replaced by C.
Protein change: p.Ile550Thr; replaces isoleucine 550 with threonine.
Molecular consequence: missense variant.
Genome position (GRCh38, 1-based): chr11:108,251,878, T>C. VCF-style: chr11-108251878-T-C. GRCh37 (hg19) VCF-style: chr11-108122605-T-C.
Other names: c.1649T>C, p.Ile550Thr (NM_001351834.2); short protein forms I550T.
Identifiers: ClinVar variation 1510410 (VCV001510410.8), dbSNP rs864622285, ClinGen allele CA382534548.